The following is an entry in ClinVar:

NM_006767.4(LZTR1):c.1399A>C (p.Ser467Arg)

Gene: LZTR1 (leucine zipper like post translational regulator 1; plus strand). Cytogenetic location: 22q11.21.
Variant type: single nucleotide variant.
Coding change: c.1399A>C on transcript NM_006767.4 (MANE Select); coding-DNA position 1399, A replaced by C.
Protein change: p.Ser467Arg; replaces serine 467 with arginine.
Molecular consequence: missense variant.
Genome position (GRCh38, 1-based): chr22:20,993,969, A>C. VCF-style: chr22-20993969-A-C. GRCh37 (hg19) VCF-style: chr22-21348258-A-C.
Other names: short protein forms S467R.
Identifiers: ClinVar variation 4615674 (VCV004615674.1).

ClinVar aggregate classification (germline): Uncertain significance (1 of 4 stars; one submission).

Conditions:
Cardiovascular phenotype. Identifiers: MedGen CN230736.
Hereditary cancer-predisposing syndrome. Also called: Neoplastic Syndromes, Hereditary; Tumor predisposition; Hereditary Cancer Syndrome; Hereditary neoplastic syndrome. Identifiers: Orphanet 140162, MedGen C0027672, MeSH D009386, MONDO:0015356.

Submission:

Ambry Genetics
Classification: Uncertain significance for Cardiovascular phenotype; Hereditary cancer-predisposing syndrome. Last evaluated: 2025-11-25. Review status: criteria provided, single submitter. Criteria: Ambry Variant Classification Scheme 2023. Collection method: clinical testing. Allele origin: germline.
Comment: The p.S467R variant (also known as c.1399A>C), located in coding exon 13 of the LZTR1 gene, results from an A to C substitution at nucleotide position 1399. The serine at codon 467 is replaced by arginine, an amino acid with dissimilar properties. This amino acid position is conserved. In addition, the in silico prediction for this alteration is inconclusive. Based on the available evidence, the clinical significance of this variant remains unclear.